The following is an entry in ClinVar:

NM_177438.3(DICER1):c.1178dup (p.Gln394fs)

Gene: DICER1 (dicer 1, ribonuclease III; minus strand). Cytogenetic location: 14q32.13.
Variant type: Duplication.
Coding change: c.1178dup on transcript NM_177438.3 (MANE Select); coding-DNA position 1178, one base duplicated (A; older notation c.1178dupA).
Protein change: p.Gln394fs; shifts the reading frame from glutamine 394.
Molecular consequence: frameshift variant. On other transcripts: 5 prime UTR variant (1), non-coding transcript variant (6).
Genome position (GRCh38, 1-based): chr14:95,124,394, T duplicated on the plus strand (A on the coding strand, the reverse complement: DICER1 is on the minus strand). VCF-style (leftmost placement, unchanged base first): chr14-95124393-C-CT. GRCh37 (hg19) VCF-style: chr14-95590730-C-CT.
Other names: c.1178dup, p.Gln394fs (NM_001195573.1, NM_001271282.3, NM_001291628.2 and 14 more transcripts); c.1178dup, p.Gln394Alafs (NM_001395681.1); c.896dup, p.Gln300fs (NM_001395686.1); c.773dup, p.Gln259fs (NM_001395687.1, NM_001395688.1, NM_001395689.1 and 3 more transcripts); c.611dup, p.Gln205fs (NM_001395691.1); c.-391dup (NM_001395697.1); short protein forms Q394fs, Q300fs, Q205fs, Q259fs.
Identifiers: ClinVar variation 2838614 (VCV002838614.3), dbSNP rs2543177794, ClinGen allele CA2739270810.

ClinVar aggregate classification (germline): Pathogenic (1 of 4 stars; one submission).

Conditions:
DICER1-related tumor predisposition. Also called: DICER1-related pleuropulmonary blastoma cancer predisposition syndrome; DICER1 syndrome. Identifiers: Orphanet 284343, MedGen C3839822, MONDO:0100216.

Submission:

Labcorp Genetics (formerly Invitae), Labcorp
Classification: Pathogenic for DICER1-related tumor predisposition. Last evaluated: 2023-02-18. Review status: criteria provided, single submitter. Criteria: Invitae Variant Classification Sherloc (09022015). Collection method: clinical testing. Allele origin: germline.
Comment: For these reasons, this variant has been classified as Pathogenic. This variant has not been reported in the literature in individuals affected with DICER1-related conditions. This variant is not present in population databases (gnomAD no frequency). This sequence change creates a premature translational stop signal (p.Gln394Alafs*3) in the DICER1 gene. It is expected to result in an absent or disrupted protein product. Loss-of-function variants in DICER1 are known to be pathogenic (PMID: 19556464, 21266384).

Literature cited by the submitters: PubMed 19556464; PubMed 21266384.